The following is an entry in ClinVar:

ClinVar aggregate classification (germline): Likely benign (1 of 4 stars; one submission).

Allele frequency attached by ClinVar (database versions not stated): gnomAD 0.00177; ESP Exome Variant Server 0.00239; 1000 Genomes Project 0.00260; 1000 Genomes Project 30x 0.00281.
gnomAD v4.1: 4,218 of 1,586,052 alleles (0.27%); highest among the groups gnomAD compares: South Asian, 0.77%; 302 homozygotes.

Submission:

CeGaT Center for Human Genetics Tuebingen
Classification: Likely benign. Last evaluated: 2026-03-01. Review status: criteria provided, single submitter. Criteria: CeGaT Center For Human Genetics Tuebingen Variant Classification Criteria Version 2. Collection method: clinical testing. Allele origin: germline. Affected: yes. Observed: 5 variant alleles.
Comment: FLG: BP4, BP7, BS2

NM_002016.2(FLG):c.10758C>T (p.Ala3586=)

Genes: CCDST (cervical cancer associated DHX9 suppressive transcript; plus strand), FLG (filaggrin; minus strand). Cytogenetic location: 1q21.3.
Variant type: single nucleotide variant.
Coding change: c.10758C>T on transcript NM_002016.2 (MANE Select); coding-DNA position 10758, C replaced by T.
Protein change: p.Ala3586=; no amino-acid change (alanine 3586 retained).
Molecular consequence: synonymous variant.
Genome position (GRCh38, 1-based): chr1:152,304,128, G>A on the plus strand (C>T on the coding strand, the complement: FLG is on the minus strand). VCF-style: chr1-152304128-G-A. GRCh37 (hg19) VCF-style: chr1-152276604-G-A.
Identifiers: ClinVar variation 2639230 (VCV002639230.24), dbSNP rs147217287, ClinGen allele CA1103191.